The following is an entry in ClinVar:

ClinVar aggregate classification (germline): Conflicting classifications of pathogenicity. Review status: criteria provided, conflicting classifications (1 of 4 stars). 3 submissions from 3 submitters: Likely pathogenic (1); Uncertain significance (2). Last evaluated 2026-07-08.

Conditions:
LRP5-related disorder. Also called: LRP5-related condition.
Inborn genetic diseases. Identifiers: MedGen C0950123, MeSH D030342.

Allele frequency attached by ClinVar (database versions not stated): gnomAD 0.00001; TOPMed 0.00001.
gnomAD v4.1: 23 of 1,614,044 alleles (0.0014%); highest among the groups gnomAD compares: South Asian, 0.016%; no homozygotes.

Submissions (3):

PreventionGenetics, part of Exact Sciences
Classification: Uncertain significance for LRP5-related condition. Last evaluated: 2026-07-08. Review status: criteria provided, single submitter. Criteria: ACMG Guidelines, 2015. Collection method: clinical testing. Allele origin: germline.
Comment: The LRP5 c.2872C>T variant is predicted to result in the amino acid substitution p.Arg958Trp. This variant has been reported in the heterozygous state in individuals with exudative vitreoretinopathy (Li et al. 2018. PubMed ID: 30452590; Tian et al. 2019. PubMed ID: 31169861; Table S2, Chen et al. 2022. PubMed ID: 36018796). An alternate substitution of this same amino acid residue (p.Arg958Gln) has been reported along with a second LRP5 variant in an individual with retinal disease (Table S1, Lin et al. 2024. PubMed ID: 38219857). This variant is present in 0.013% of alleles in individuals of South Asian descent in gnomAD. At this time, the clinical significance of this variant is uncertain due to the absence of conclusive functional and genetic evidence.

Labcorp Genetics (formerly Invitae), Labcorp
Classification: Likely pathogenic. Last evaluated: 2025-06-22. Review status: criteria provided, single submitter. Criteria: Invitae Variant Classification Sherloc (09022015). Collection method: clinical testing. Allele origin: germline.
Comment: This sequence change replaces arginine, which is basic and polar, with tryptophan, which is neutral and slightly polar, at codon 958 of the LRP5 protein (p.Arg958Trp). This variant is present in population databases (rs754174678, gnomAD 0.01%). This missense change has been observed in individual(s) with familial exudative vitreoretinopathy (PMID: 30452590, 31169861, 38765603). ClinVar contains an entry for this variant (Variation ID: 2165621). Invitae Evidence Modeling of protein sequence and biophysical properties (such as structural, functional, and spatial information, amino acid conservation, physicochemical variation, residue mobility, and thermodynamic stability) indicates that this missense variant is expected to disrupt LRP5 protein function with a positive predictive value of 95%. In summary, the currently available evidence indicates that the variant is pathogenic, but additional data are needed to prove that conclusively. Therefore, this variant has been classified as Likely Pathogenic.

Ambry Genetics
Classification: Uncertain significance for Inborn genetic diseases. Last evaluated: 2025-01-13. Review status: criteria provided, single submitter. Criteria: Ambry Variant Classification Scheme 2023. Collection method: clinical testing. Allele origin: germline.
Comment: The c.2872C>T (p.R958W) alteration is located in exon 13 (coding exon 13) of the LRP5 gene. This alteration results from a C to T substitution at nucleotide position 2872, causing the arginine (R) at amino acid position 958 to be replaced by a tryptophan (W). Based on data from gnomAD, the T allele has an overall frequency of 0.002% (4/251310) total alleles studied. The highest observed frequency was 0.013% (4/30614) of South Asian alleles. This variant was reported in individual(s) with features consistent with autosomal dominant exudative vitreoretinopathy (Tian, 2019). This amino acid position is highly conserved in available vertebrate species. This alteration is predicted to be deleterious by in silico analysis. Based on insufficient or conflicting evidence, the clinical significance of this alteration remains unclear.

Literature cited by the submitters: PubMed 30452590 (cited by Labcorp Genetics (formerly Invitae), Labcorp); PubMed 31169861 (cited by Labcorp Genetics (formerly Invitae), Labcorp and Ambry Genetics); PubMed 38765603 (cited by Labcorp Genetics (formerly Invitae), Labcorp).

NM_002335.4(LRP5):c.2872C>T (p.Arg958Trp)

Gene: LRP5 (LDL receptor related protein 5; plus strand). Cytogenetic location: 11q13.2.
Variant type: single nucleotide variant.
Coding change: c.2872C>T on transcript NM_002335.4 (MANE Select); coding-DNA position 2872, C replaced by T.
Protein change: p.Arg958Trp; replaces arginine 958 with tryptophan.
Molecular consequence: missense variant.
Genome position (GRCh38, 1-based): chr11:68,416,372, C>T. VCF-style: chr11-68416372-C-T. GRCh37 (hg19) VCF-style: chr11-68183840-C-T.
Other names: c.1129C>T, p.Arg377Trp (NM_001291902.2); c.2872C>T (NM_002335.2, NM_002335.3); short protein forms R377W, R958W.
Identifiers: ClinVar variation 2165621 (VCV002165621.6), dbSNP rs754174678, ClinGen allele CA6149777.